The following is an entry in ClinVar:

ClinVar aggregate classification (germline): Uncertain significance (1 of 4 stars; one submission).

Allele frequency attached by ClinVar (database versions not stated): TOPMed 0.00001; ExAC 0.00002; gnomAD 0.00003.
gnomAD v4.1: 36 of 1,610,418 alleles (0.0022%); highest among the groups gnomAD compares: Admixed American, 0.005%; no homozygotes.

Submission:

CeGaT Center for Human Genetics Tuebingen
Classification: Uncertain significance. Last evaluated: 2023-09-01. Review status: criteria provided, single submitter. Criteria: CeGaT Center For Human Genetics Tuebingen Variant Classification Criteria Version 2. Collection method: clinical testing. Allele origin: germline. Affected: yes. Observed: 1 variant allele.
Comment: ASL: PM2, PP3

NM_000048.4(ASL):c.208-6C>G

Gene: ASL (argininosuccinate lyase; plus strand). Cytogenetic location: 7q11.21.
Variant type: single nucleotide variant.
Coding change: c.208-6C>G on transcript NM_000048.4 (MANE Select); 6 bases into the intron before coding-DNA position 208, C replaced by G.
Molecular consequence: intron variant.
Genome position (GRCh38, 1-based): chr7:66,082,362, C>G. VCF-style: chr7-66082362-C-G. GRCh37 (hg19) VCF-style: chr7-65547349-C-G.
Other names: c.208-6C>G (NM_001024943.2, NM_001024944.2, NM_001024946.2).
Identifiers: ClinVar variation 2583048 (VCV002583048.25), dbSNP rs772209699, ClinGen allele CA4276854.